The following is an entry in ClinVar:

NM_001378615.1(CC2D2A):c.4679C>T (p.Ser1560Phe)

Genes: CC2D2A (coiled-coil and C2 domain containing 2A; plus strand), FBXL5 (F-box and leucine rich repeat protein 5; minus strand). Cytogenetic location: 4p15.32.
Variant type: single nucleotide variant.
Coding change: c.4679C>T on transcript NM_001378615.1 (MANE Select); coding-DNA position 4679, C replaced by T.
Protein change: p.Ser1560Phe; replaces serine 1560 with phenylalanine.
Molecular consequence: missense variant.
Genome position (GRCh38, 1-based): chr4:15,601,241, C>T. VCF-style: chr4-15601241-C-T. GRCh37 (hg19) VCF-style: chr4-15602864-C-T.
Other names: c.4679C>T, p.Ser1560Phe (NM_001080522.2); c.4532C>T, p.Ser1511Phe (NM_001378617.1); short protein forms S1511F, S1560F.
Identifiers: ClinVar variation 2148112 (VCV002148112.1), dbSNP rs1420190280, ClinGen allele CA356435934.

ClinVar aggregate classification (germline): Uncertain significance (1 of 4 stars; one submission).

Conditions:
Joubert syndrome. Also called: JOUBERT-BOLTSHAUSER SYNDROME; Familial aplasia of the vermis. Identifiers: Orphanet 475, MedGen C5979921, MONDO:0018772.
Meckel-Gruber syndrome. Also called: DYSENCEPHALIA SPLANCHNOCYSTICA; GRUBER SYNDROME; Dysencephalia splachnocystica. Identifiers: Orphanet 564, MedGen C0265215, MONDO:0018921.

Allele frequency attached by ClinVar (database versions not stated): TOPMed below 0.00001; gnomAD 0.00001.
gnomAD v4.1: 5 of 1,611,750 alleles (0.00031%); highest among the groups gnomAD compares: African/African-American, 0.0027%; no homozygotes.

Submission:

Labcorp Genetics (formerly Invitae), Labcorp
Classification: Uncertain significance for Joubert syndrome; Meckel-Gruber syndrome. Last evaluated: 2022-08-20. Review status: criteria provided, single submitter. Criteria: Invitae Variant Classification Sherloc (09022015). Collection method: clinical testing. Allele origin: germline.
Comment: This sequence change replaces serine, which is neutral and polar, with phenylalanine, which is neutral and non-polar, at codon 1560 of the CC2D2A protein (p.Ser1560Phe). The frequency data for this variant in the population databases is considered unreliable, as metrics indicate poor data quality at this position in the gnomAD database. This variant has not been reported in the literature in individuals affected with CC2D2A-related conditions. Advanced modeling of protein sequence and biophysical properties (such as structural, functional, and spatial information, amino acid conservation, physicochemical variation, residue mobility, and thermodynamic stability) performed at Invitae indicates that this missense variant is expected to disrupt CC2D2A protein function. In summary, the available evidence is currently insufficient to determine the role of this variant in disease. Therefore, it has been classified as a Variant of Uncertain Significance.